The following is an entry in ClinVar:

ClinVar aggregate classification (germline): Uncertain significance (1 of 4 stars; one submission).

Submission:

Women's Health and Genetics/Laboratory Corporation of America, LabCorp
Classification: Uncertain significance. Last evaluated: 2023-12-15. Review status: criteria provided, single submitter. Criteria: LabCorp Variant Classification Summary - May 2015. Collection method: clinical testing. Allele origin: germline.
Comment: Variant summary: ABCA7 c.5139T>G (p.Phe1713Leu) results in a non-conservative amino acid change located in the ABC-2 type transporter, transmembrane domain (IPR013525) of the encoded protein sequence. Four of five in-silico tools predict a benign effect of the variant on protein function. The variant was absent in 250888 control chromosomes. The available data on variant occurrences in the general population are insufficient to allow any conclusion about variant significance. To our knowledge, no occurrence of c.5139T>G in individuals affected with Alzheimer Disease, Type 9 and no experimental evidence demonstrating its impact on protein function have been reported. No submitters have cited clinical-significance assessments for this variant to ClinVar after 2014. Based on the evidence outlined above, the variant was classified as uncertain significance.

NM_019112.4(ABCA7):c.5139T>G (p.Phe1713Leu)

Gene: ABCA7 (ATP binding cassette subfamily A member 7; plus strand). Cytogenetic location: 19p13.3.
Variant type: single nucleotide variant.
Coding change: c.5139T>G on transcript NM_019112.4 (MANE Select); coding-DNA position 5139, T replaced by G.
Protein change: p.Phe1713Leu; replaces phenylalanine 1713 with leucine.
Molecular consequence: missense variant.
Genome position (GRCh38, 1-based): chr19:1,058,259, T>G. VCF-style: chr19-1058259-T-G. GRCh37 (hg19) VCF-style: chr19-1058258-T-G.
Other names: short protein forms F1713L.
Identifiers: ClinVar variation 2691294 (VCV002691294.1), dbSNP rs2512460637, ClinGen allele CA402980330.